The following is an entry in ClinVar:

ClinVar aggregate classification (germline): Conflicting classifications of pathogenicity. Review status: criteria provided, conflicting classifications (1 of 4 stars). 3 submissions from 3 submitters: Uncertain significance (2); Likely benign (1). Last evaluated 2025-09-22.

Conditions:
Cardiomyopathy (CMYO). Also called: Cardiomyopathies. Identifiers: Orphanet 167848, MedGen C0878544, MONDO:0004994, HP:0001638. Inheritance: Various modes of inheritance.
Arrhythmogenic right ventricular cardiomyopathy (ARVD). Also called: Cardiomyopathy, ARVC; Arrhythmogenic right ventricular dysplasia; Arrhythmogenic Right Ventricular Cardiomyopathy (ARVC); Arrhythmogenic cardiomyopathy. Identifiers: Orphanet 247, MedGen C0349788, MeSH D019571, MONDO:0016587. Disease mechanism: loss of function. Inheritance: Various modes of inheritance.
Arrhythmogenic right ventricular dysplasia 9 (ARVD9). Also called: Arrhythmogenic Right Ventricular Dysplasia/Cardiomyopathy 9; ARRHYTHMOGENIC RIGHT VENTRICULAR DYSPLASIA, FAMILIAL, 9. Identifiers: MedGen C1836906, MONDO:0012180, OMIM 609040.

Allele frequency attached by ClinVar (database versions not stated): TOPMed below 0.00001; ExAC 0.00001; gnomAD 0.00001; gnomAD exomes 0.00001.
gnomAD v4.1: 1 of 1,613,840 alleles (0.000062%); highest among the groups gnomAD compares: African/African-American, 0.0013%; no homozygotes.

Submissions (3):

Color Diagnostics, LLC DBA Color Health
Classification: Likely benign for Cardiomyopathy. Last evaluated: 2025-09-22. Review status: criteria provided, single submitter. Criteria: ACMG Guidelines, 2015. Collection method: clinical testing. Allele origin: germline.

All of Us Research Program, National Institutes of Health
Classification: Uncertain significance for Arrhythmogenic right ventricular cardiomyopathy. Last evaluated: 2023-05-30. Review status: criteria provided, single submitter. Criteria: ACMG Guidelines, 2015. Collection method: clinical testing. Allele origin: germline. Inheritance: Autosomal dominant inheritance. Observed: 1 variant allele, 1 heterozygote.
Comment: This missense variant replaces serine with cysteine at codon 627 of the PKP2 protein. Computational prediction suggests that this variant may not impact protein structure and function (internally defined REVEL score threshold <= 0.5, PMID: 27666373). To our knowledge, functional studies have not been reported for this variant. This variant has not been reported in individuals affected with PKP2-related disorders in the literature. This variant has been identified in 2/251288 chromosomes in the general population by the Genome Aggregation Database (gnomAD). The available evidence is insufficient to determine the role of this variant in disease conclusively. Therefore, this variant is classified as a Variant of Uncertain Significance.

This study involves interpretation of variants in research participants for the purpose of population health screening. Participant phenotype was not available at the time of variant classification. Additional details can be found in publication PMID: 35346344, PMCID: PMC8962531

Labcorp Genetics (formerly Invitae), Labcorp
Classification: Uncertain significance for Arrhythmogenic right ventricular dysplasia 9. Last evaluated: 2022-06-05. Review status: criteria provided, single submitter. Criteria: Invitae Variant Classification Sherloc (09022015). Collection method: clinical testing. Allele origin: germline.
Comment: Algorithms developed to predict the effect of missense changes on protein structure and function (SIFT, PolyPhen-2, Align-GVGD) all suggest that this variant is likely to be disruptive. This sequence change replaces serine, which is neutral and polar, with cysteine, which is neutral and slightly polar, at codon 627 of the PKP2 protein (p.Ser627Cys). This variant is present in population databases (rs769817013, gnomAD 0.007%). This variant has not been reported in the literature in individuals affected with PKP2-related conditions. ClinVar contains an entry for this variant (Variation ID: 1425410). In summary, the available evidence is currently insufficient to determine the role of this variant in disease. Therefore, it has been classified as a Variant of Uncertain Significance.

NM_001005242.3(PKP2):c.1748C>G (p.Ser583Cys)

Gene: PKP2 (plakophilin 2; minus strand). Cytogenetic location: 12p11.21.
Variant type: single nucleotide variant.
Coding change: c.1748C>G on transcript NM_001005242.3 (MANE Select); coding-DNA position 1748, C replaced by G.
Protein change: p.Ser583Cys; replaces serine 583 with cysteine.
Molecular consequence: missense variant.
Genome position (GRCh38, 1-based): chr12:32,822,558, G>C on the plus strand (C>G on the coding strand, the complement: PKP2 is on the minus strand). VCF-style: chr12-32822558-G-C. GRCh37 (hg19) VCF-style: chr12-32975492-G-C.
Other names: c.1880C>G, p.Ser627Cys (NM_004572.4); short protein forms S627C, S583C.
Identifiers: ClinVar variation 1425410 (VCV001425410.7), dbSNP rs769817013, ClinGen allele CA031239.